The following is an entry in ClinVar:

NM_000528.4(MAN2B1):c.1126G>A (p.Asp376Asn)

Gene: MAN2B1 (mannosidase alpha class 2B member 1; minus strand). Cytogenetic location: 19p13.13.
Variant type: single nucleotide variant.
Coding change: c.1126G>A on transcript NM_000528.4 (MANE Select); coding-DNA position 1126, G replaced by A.
Protein change: p.Asp376Asn; replaces aspartic acid 376 with asparagine.
Molecular consequence: missense variant.
Genome position (GRCh38, 1-based): chr19:12,658,328, C>T on the plus strand (G>A on the coding strand, the complement: MAN2B1 is on the minus strand). VCF-style: chr19-12658328-C-T. GRCh37 (hg19) VCF-style: chr19-12769142-C-T.
Other names: c.1123G>A, p.Asp375Asn (NM_001173498.2); short protein forms D375N, D376N.
Identifiers: ClinVar variation 3377671 (VCV003377671.1).

ClinVar aggregate classification (germline): Uncertain significance (1 of 4 stars; one submission).

Conditions:
Deficiency of alpha-mannosidase (MANSA). Also called: LYSOSOMAL ALPHA-D-MANNOSIDASE DEFICIENCY; Mannosidosis, alpha-, types I and II; Alpha-Mannosidosis. Identifiers: Orphanet 61, MedGen C0024748, MONDO:0009561, OMIM 248500.

gnomAD v4.1: 11 of 1,614,072 alleles (0.00068%); highest among the groups gnomAD compares: African/African-American, 0.0013%; no homozygotes.

Submission:

Neuberg Centre For Genomic Medicine, NCGM
Classification: Uncertain significance for Deficiency of alpha-mannosidase. Last evaluated: 2023-06-22. Review status: criteria provided, single submitter. Criteria: ACMG Guidelines, 2015. Collection method: clinical testing. Allele origin: germline. Inheritance: Autosomal recessive inheritance. Affected: yes.
Comment: The observed missense variant c.1126G>A(p.Asp376Asn) in the MAN2B1 gene has not been reported previously as a pathogenic variant nor as a benign variant, to our knowledge. This variant is reported with the allele frequency 0.001% in the gnomAD Exomes. The amino acid Asp at position 376 is changed to a Asn changing protein sequence and it might alter its composition and physico-chemical properties. Multiple lines of computational evidence (Polyphen - Damaging, SIFT - Damaging and MutationTaster - Disease causing) predict a damaging effect on protein structure and function for this variant. The residue is conserved by GERP++ and PhyloP across 100 vertebrates. For these reasons, this variant has been classified as Uncertain Significance.